The following is an entry in ClinVar:

ClinVar aggregate classification (germline): Likely benign. Review status: criteria provided, multiple submitters, no conflicts (2 of 4 stars). 2 submissions from 2 submitters: Likely benign (2). Last evaluated 2025-06-01.

Allele frequency attached by ClinVar (database versions not stated): gnomAD 0.00001; TOPMed 0.00002; gnomAD exomes 0.00004.
gnomAD v4.1: 57 of 1,614,044 alleles (0.0035%); highest among the groups gnomAD compares: Non-Finnish European, 0.0045%; no homozygotes.

Submissions (2):

CeGaT Center for Human Genetics Tuebingen
Classification: Likely benign. Last evaluated: 2025-06-01. Review status: criteria provided, single submitter. Criteria: CeGaT Center For Human Genetics Tuebingen Variant Classification Criteria Version 2. Collection method: clinical testing. Allele origin: germline. Affected: yes. Observed: 1 variant allele.
Comment: ESCO2: BP4, BP7

Labcorp Genetics (formerly Invitae), Labcorp
Classification: Likely benign. Last evaluated: 2025-01-12. Review status: criteria provided, single submitter. Criteria: Invitae Variant Classification Sherloc (09022015). Collection method: clinical testing. Allele origin: germline.

NM_001017420.3(ESCO2):c.549T>C (p.His183=)

Gene: ESCO2 (establishment of sister chromatid cohesion N-acetyltransferase 2; plus strand). Cytogenetic location: 8p21.1.
Variant type: single nucleotide variant.
Coding change: c.549T>C on transcript NM_001017420.3 (MANE Select); coding-DNA position 549, T replaced by C.
Protein change: p.His183=; no amino-acid change (histidine 183 retained).
Molecular consequence: synonymous variant.
Genome position (GRCh38, 1-based): chr8:27,776,857, T>C. VCF-style: chr8-27776857-T-C. GRCh37 (hg19) VCF-style: chr8-27634374-T-C.
Identifiers: ClinVar variation 1141379 (VCV001141379.15), dbSNP rs907259826, ClinGen allele CA174253320.
Genomic context (GRCh38, chr8:27,776,857, plus strand): 5'-AAATTCCAAGCAAAATCGAGTGATCTATAAGCCAATTGTGGAGAAGGAAAATAATTGTCA[T>C]TCAGCTGAAAATAATTCCAATGCTCCTCGGGTTCTGAGCCAAAAAATAAAACCACAAGTT-3'
Protein context (NP_001017420.1, residues 173-193): KPIVEKENNC[His183=]SAENNSNAPR